The following is an entry in ClinVar:

ClinVar aggregate classification (germline): Uncertain significance (1 of 4 stars; one submission).

Allele frequency attached by ClinVar (database versions not stated): gnomAD exomes below 0.00001; ExAC 0.00001.
gnomAD v4.1: 2 of 1,614,102 alleles (0.00012%); highest among the groups gnomAD compares: Non-Finnish European, 0.00017%; no homozygotes.

Submission:

Labcorp Genetics (formerly Invitae), Labcorp
Classification: Uncertain significance. Last evaluated: 2021-12-22. Review status: criteria provided, single submitter. Criteria: Invitae Variant Classification Sherloc (09022015). Collection method: clinical testing. Allele origin: germline.
Comment: This sequence change replaces threonine, which is neutral and polar, with methionine, which is neutral and non-polar, at codon 266 of the KCNJ6 protein (p.Thr266Met). This variant is present in population databases (rs757192158, gnomAD 0.0009%). This variant has not been reported in the literature in individuals affected with KCNJ6-related conditions. Algorithms developed to predict the effect of missense changes on protein structure and function are either unavailable or do not agree on the potential impact of this missense change (SIFT: "Tolerated"; PolyPhen-2: "Probably Damaging"; Align-GVGD: "Class C15"). In summary, the available evidence is currently insufficient to determine the role of this variant in disease. Therefore, it has been classified as a Variant of Uncertain Significance.

NM_002240.5(KCNJ6):c.797C>T (p.Thr266Met)

Genes: KCNJ6 (potassium inwardly rectifying channel subfamily J member 6; minus strand), KCNJ6-AS1 (KCNJ6 antisense RNA 1; plus strand). Cytogenetic location: 21q22.13.
Variant type: single nucleotide variant.
Coding change: c.797C>T on transcript NM_002240.5 (MANE Select); coding-DNA position 797, C replaced by T.
Protein change: p.Thr266Met; replaces threonine 266 with methionine.
Molecular consequence: missense variant.
Genome position (GRCh38, 1-based): chr21:37,714,360, G>A on the plus strand (C>T on the coding strand, the complement: KCNJ6 is on the minus strand). VCF-style: chr21-37714360-G-A. GRCh37 (hg19) VCF-style: chr21-39086663-G-A.
Other names: short protein forms T266M.
Identifiers: ClinVar variation 1424269 (VCV001424269.6), dbSNP rs757192158, ClinGen allele CA10024291.
Genomic context (GRCh38, chr21:37,714,360, plus strand): 5'-TGTTGGTTAATTTCATGGCTAATGATCAGCGGTGACACCAGAAACAGACGGTCATCCCCC[G>A]TGTAATACCCTACGTTGATATCCGTCTGGTTCAACGGGATGAACTCCCCCTCCGAGGTCT-3'
Protein context (NP_002231.1, residues 256-276): NQTDINVGYY[Thr266Met]GDDRLFLVSP